The following is an entry in ClinVar:

ClinVar aggregate classification (germline): Uncertain significance (1 of 4 stars; one submission).

Conditions:
Periodic fever-infantile enterocolitis-autoinflammatory syndrome. Also called: Autoinflammation with infantile enterocolitis. Identifiers: Orphanet 436166, MedGen C4015067, MONDO:0014472, OMIM 616050.
Familial cold autoinflammatory syndrome 4 (FCAS4). Identifiers: Orphanet 47045, Orphanet 576349, MedGen C4015276, MONDO:0014498, OMIM 616115.

Allele frequency attached by ClinVar (database versions not stated): gnomAD exomes below 0.00001.

Submission:

Labcorp Genetics (formerly Invitae), Labcorp
Classification: Uncertain significance for Periodic fever-infantile enterocolitis-autoinflammatory syndrome; Familial cold autoinflammatory syndrome 4. Last evaluated: 2022-03-15. Review status: criteria provided, single submitter. Criteria: Invitae Variant Classification Sherloc (09022015). Collection method: clinical testing. Allele origin: germline.
Comment: This variant has not been reported in the literature in individuals affected with NLRC4-related conditions. This variant is not present in population databases (gnomAD no frequency). This sequence change replaces asparagine, which is neutral and polar, with lysine, which is basic and polar, at codon 748 of the NLRC4 protein (p.Asn748Lys). Algorithms developed to predict the effect of missense changes on protein structure and function (SIFT, PolyPhen-2, Align-GVGD) all suggest that this variant is likely to be tolerated. In summary, the available evidence is currently insufficient to determine the role of this variant in disease. Therefore, it has been classified as a Variant of Uncertain Significance.

NM_001199138.2(NLRC4):c.2244T>A (p.Asn748Lys)

Gene: NLRC4 (NLR family CARD domain containing 4; minus strand). Cytogenetic location: 2p22.3.
Variant type: single nucleotide variant.
Coding change: c.2244T>A on transcript NM_001199138.2 (MANE Select); coding-DNA position 2244, T replaced by A.
Protein change: p.Asn748Lys; replaces asparagine 748 with lysine.
Molecular consequence: missense variant. On other transcripts: intron variant (1).
Genome position (GRCh38, 1-based): chr2:32,249,620, A>T on the plus strand (T>A on the coding strand, the complement: NLRC4 is on the minus strand). VCF-style: chr2-32249620-A-T. GRCh37 (hg19) VCF-style: chr2-32474689-A-T.
Other names: c.2244T>A, p.Asn748Lys (NM_001199139.2, NM_021209.5); c.262+2799T>A (NM_001302504.1); short protein forms N748K.
Identifiers: ClinVar variation 2088831 (VCV002088831.4), dbSNP rs1318739482, ClinGen allele CA346510572.